The following is an entry in ClinVar:

NM_000030.3(AGXT):c.560_561insGGT (p.Ser187_Leu188insVal)

Gene: AGXT (alanine--glyoxylate aminotransferase; plus strand). Cytogenetic location: 2q37.3.
Variant type: Insertion.
Coding change: c.560_561insGGT on transcript NM_000030.3 (MANE Select); coding-DNA positions 560 to 561, GGT inserted.
Protein change: p.Ser187_Leu188insVal.
Molecular consequence: inframe insertion.
Genome position: GRCh38 VCF-style: chr2-240873014-C-CGGT. GRCh37 (hg19) VCF-style: chr2-241812431-C-CGGT.
Identifiers: ClinVar variation 2664126 (VCV002664126.1), dbSNP rs2528749754, ClinGen allele CA2586971639.

ClinVar aggregate classification (germline): Pathogenic (1 of 4 stars; one submission).

Conditions:
Primary hyperoxaluria, type I (HP1). Also called: OXALOSIS I; Primary hyperoxaluria type 1; GLYCOLIC ACIDURIA; HEPATIC AGT DEFICIENCY. Identifiers: Orphanet 416, Orphanet 93598, MedGen C0268164, MONDO:0009823, OMIM 259900. Disease mechanism: loss of function.

Submission:

Rare Kidney Stone Consortium and the Mayo Clinic Hyperoxaluria Center, Mayo Clinic
Classification: Pathogenic for Primary hyperoxaluria, type I. Last evaluated: 2023-10-27. Review status: criteria provided, single submitter. Criteria: ACMG Guidelines, 2015. Collection method: clinical testing. Allele origin: germline. Affected: yes.
Comment: ACMG:PM2 PM4 PP3 PP4

Literature cited by the submitters: PubMed 25644115.